The following is an entry in ClinVar:

ClinVar aggregate classification (germline): Uncertain significance (1 of 4 stars; one submission).

Conditions:
Propionic acidemia (PROP). Also called: GLYCINEMIA, KETOTIC; HYPERGLYCINEMIA WITH KETOACIDOSIS AND LEUKOPENIA; KETOTIC HYPERGLYCINEMIA. Identifiers: Orphanet 35, MedGen C0268579, MONDO:0011628, OMIM 606054, HP:0003571.

Submission:

Labcorp Genetics (formerly Invitae), Labcorp
Classification: Uncertain significance for Propionic acidemia. Last evaluated: 2022-06-25. Review status: criteria provided, single submitter. Criteria: Invitae Variant Classification Sherloc (09022015). Collection method: clinical testing. Allele origin: germline.
Comment: In summary, the available evidence is currently insufficient to determine the role of this variant in disease. Therefore, it has been classified as a Variant of Uncertain Significance. This variant disrupts the C-terminus of the PCCA protein. Other variant(s) that disrupt this region (p.Thr704Leufs*4) have been observed in individuals with PCCA-related conditions (PMID: 11592820). This suggests that this may be a clinically significant region of the protein. Experimental studies and prediction algorithms are not available or were not evaluated, and the functional significance of this variant is currently unknown. This variant has not been reported in the literature in individuals affected with PCCA-related conditions. This variant is not present in population databases (gnomAD no frequency). This sequence change creates a premature translational stop signal (p.Lys703Metfs*4) in the PCCA gene. While this is not anticipated to result in nonsense mediated decay, it is expected to disrupt the last 26 amino acid(s) of the PCCA protein.

Literature cited by the submitters: PubMed 11592820.

NM_000282.4(PCCA):c.2108_2111del (p.Lys703fs)

Gene: PCCA (propionyl-CoA carboxylase subunit alpha; plus strand). Cytogenetic location: 13q32.3.
Variant type: Deletion.
Coding change: c.2108_2111del on transcript NM_000282.4 (MANE Select); coding-DNA positions 2108 to 2111, 4 bases deleted (AAAC; older notation c.2108_2111delAAAC).
Protein change: p.Lys703fs; shifts the reading frame from lysine 703.
Molecular consequence: frameshift variant. On other transcripts: non-coding transcript variant (5).
Genome position (GRCh38, 1-based): chr13:100,527,742-100,527,745, AAAC deleted. VCF-style (leftmost placement, unchanged base first): chr13-100527741-AAAAC-A. GRCh37 (hg19) VCF-style: chr13-101179995-AAAAC-A.
Other names: c.2030_2033del, p.Lys677fs (NM_001127692.3); c.1967_1970del, p.Lys656fs (NM_001178004.2); c.2054_2057del, p.Lys685fs (NM_001352605.2); c.1964_1967del, p.Lys655fs (NM_001352606.2); c.1889_1892del, p.Lys630fs (NM_001352607.2); c.1886_1889del, p.Lys629fs (NM_001352608.2); c.1163_1166del, p.Lys388fs (NM_001352610.2); c.1109_1112del, p.Lys370fs (NM_001352611.2); and 1 more; short protein forms K388fs, K629fs, K630fs, K677fs, K685fs, K655fs, K340fs, K370fs.
Identifiers: ClinVar variation 1967142 (VCV001967142.5), dbSNP rs2087967434, ClinGen allele CA2114130177.